The following is an entry in ClinVar:

ClinVar aggregate classification (germline): Uncertain significance (1 of 4 stars; one submission).

Conditions:
Hajdu-Cheney syndrome (HJCYS). Also called: ACROOSTEOLYSIS WITH OSTEOPOROSIS AND CHANGES IN SKULL AND MANDIBLE; SERPENTINE FIBULA-POLYCYSTIC KIDNEY SYNDROME; Acroosteolysis dominant type. Identifiers: Orphanet 955, MedGen C0917715, MONDO:0007057, OMIM 102500.

Allele frequency attached by ClinVar (database versions not stated): TOPMed below 0.00001; ExAC 0.00002; gnomAD exomes 0.00002.
gnomAD v4.1: 9 of 1,614,210 alleles (0.00056%); highest among the groups gnomAD compares: Admixed American, 0.015%; no homozygotes.

Submission:

Labcorp Genetics (formerly Invitae), Labcorp
Classification: Uncertain significance for Hajdu-Cheney syndrome. Last evaluated: 2024-11-18. Review status: criteria provided, single submitter. Criteria: Invitae Variant Classification Sherloc (09022015). Collection method: clinical testing. Allele origin: germline.
Comment: This sequence change replaces aspartic acid, which is acidic and polar, with tyrosine, which is neutral and polar, at codon 1474 of the NOTCH2 protein (p.Asp1474Tyr). This variant is present in population databases (rs759078477, gnomAD 0.03%). This variant has not been reported in the literature in individuals affected with NOTCH2-related conditions. ClinVar contains an entry for this variant (Variation ID: 2854429). Invitae Evidence Modeling of protein sequence and biophysical properties (such as structural, functional, and spatial information, amino acid conservation, physicochemical variation, residue mobility, and thermodynamic stability) indicates that this missense variant is not expected to disrupt NOTCH2 protein function with a negative predictive value of 80%. In summary, the available evidence is currently insufficient to determine the role of this variant in disease. Therefore, it has been classified as a Variant of Uncertain Significance.

NM_024408.4(NOTCH2):c.4420G>T (p.Asp1474Tyr)

Gene: NOTCH2 (notch receptor 2; minus strand). Cytogenetic location: 1p12.
Variant type: single nucleotide variant.
Coding change: c.4420G>T on transcript NM_024408.4 (MANE Select); coding-DNA position 4420, G replaced by T.
Protein change: p.Asp1474Tyr; replaces aspartic acid 1474 with tyrosine.
Molecular consequence: missense variant.
Genome position (GRCh38, 1-based): chr1:119,925,396, C>A on the plus strand (G>T on the coding strand, the complement: NOTCH2 is on the minus strand). VCF-style: chr1-119925396-C-A. GRCh37 (hg19) VCF-style: chr1-120468019-C-A.
Other names: short protein forms D1474Y.
Identifiers: ClinVar variation 2854429 (VCV002854429.3), dbSNP rs759078477, ClinGen allele CA1039864.